The following is an entry in ClinVar:

ClinVar aggregate classification (germline): Uncertain significance (1 of 4 stars; one submission).

Conditions:
Immunodeficiency 39 (IMD39). Identifiers: Orphanet 574918, MedGen C4225358, MONDO:0014597, OMIM 616345.

Allele frequency attached by ClinVar (database versions not stated): gnomAD exomes 0.00002; TOPMed 0.00002; gnomAD 0.00003; ExAC 0.00009.
gnomAD v4.1: 31 of 1,553,808 alleles (0.002%); highest among the groups gnomAD compares: Non-Finnish European, 0.0027%; no homozygotes.

Submission:

Labcorp Genetics (formerly Invitae), Labcorp
Classification: Uncertain significance for Immunodeficiency 39. Last evaluated: 2025-03-25. Review status: criteria provided, single submitter. Criteria: Invitae Variant Classification Sherloc (09022015). Collection method: clinical testing. Allele origin: germline.
Comment: This sequence change replaces serine, which is neutral and polar, with cysteine, which is neutral and slightly polar, at codon 346 of the IRF7 protein (p.Ser346Cys). This variant is present in population databases (rs756822988, gnomAD 0.01%). This variant has not been reported in the literature in individuals affected with IRF7-related conditions. ClinVar contains an entry for this variant (Variation ID: 2046372). Invitae Evidence Modeling of protein sequence and biophysical properties (such as structural, functional, and spatial information, amino acid conservation, physicochemical variation, residue mobility, and thermodynamic stability) indicates that this missense variant is not expected to disrupt IRF7 protein function with a negative predictive value of 80%. In summary, the available evidence is currently insufficient to determine the role of this variant in disease. Therefore, it has been classified as a Variant of Uncertain Significance.

NM_001572.5(IRF7):c.997A>T (p.Ser333Cys)

Gene: IRF7 (interferon regulatory factor 7; minus strand). Cytogenetic location: 11p15.5.
Variant type: single nucleotide variant.
Coding change: c.997A>T on transcript NM_001572.5 (MANE Select); coding-DNA position 997, A replaced by T.
Protein change: p.Ser333Cys; replaces serine 333 with cysteine.
Molecular consequence: missense variant.
Genome position (GRCh38, 1-based): chr11:613,446, T>A on the plus strand (A>T on the coding strand, the complement: IRF7 is on the minus strand). VCF-style: chr11-613446-T-A. GRCh37 (hg19) VCF-style: chr11-613446-T-A.
Other names: c.910A>T, p.Ser304Cys (NM_004029.4); c.1036A>T, p.Ser346Cys (NM_004031.4); short protein forms S304C, S346C, S333C.
Identifiers: ClinVar variation 2046372 (VCV002046372.4), dbSNP rs756822988, ClinGen allele CA5783615.